The following is an entry in ClinVar:

NM_001378120.1(MBD5):c.2632C>A (p.Pro878Thr)

Gene: MBD5 (methyl-CpG binding domain protein 5; plus strand). Cytogenetic location: 2q23.1.
Variant type: single nucleotide variant.
Coding change: c.2632C>A on transcript NM_001378120.1 (MANE Select); coding-DNA position 2632, C replaced by A.
Protein change: p.Pro878Thr; replaces proline 878 with threonine.
Molecular consequence: missense variant.
Genome position (GRCh38, 1-based): chr2:148,483,223, C>A. VCF-style: chr2-148483223-C-A. GRCh37 (hg19) VCF-style: chr2-149240792-C-A.
Other names: p.P878T:CCA>ACA; c.2632C>A, p.Pro878Thr (NM_018328.5); short protein forms P878T.
Identifiers: ClinVar variation 206087 (VCV000206087.7), dbSNP rs752535474, ClinGen allele CA315830.

ClinVar aggregate classification (germline): Conflicting classifications of pathogenicity. Review status: criteria provided, conflicting classifications (1 of 4 stars). 2 submissions from 2 submitters: Uncertain significance (1); Likely benign (1). Last evaluated 2024-10-09.

Conditions:
Intellectual developmental disorder, autosomal dominant 1. Also called: Intellectual disability, autosomal dominant 1; MBD5 Haploinsufficiency. Identifiers: Orphanet 228402, MedGen C1969562, MONDO:0007974, OMIM 156200.

gnomAD v4.1: 11 of 1,613,862 alleles (0.00068%); highest among the groups gnomAD compares: African/African-American, 0.0013%; no homozygotes.

Submissions (2):

Labcorp Genetics (formerly Invitae), Labcorp
Classification: Uncertain significance for Intellectual developmental disorder, autosomal dominant 1. Last evaluated: 2024-10-09. Review status: criteria provided, single submitter. Criteria: Invitae Variant Classification Sherloc (09022015). Collection method: clinical testing. Allele origin: germline.
Comment: This sequence change replaces proline, which is neutral and non-polar, with threonine, which is neutral and polar, at codon 878 of the MBD5 protein (p.Pro878Thr). This variant is not present in population databases (gnomAD no frequency). This variant has not been reported in the literature in individuals affected with MBD5-related conditions. ClinVar contains an entry for this variant (Variation ID: 206087). Invitae Evidence Modeling of protein sequence and biophysical properties (such as structural, functional, and spatial information, amino acid conservation, physicochemical variation, residue mobility, and thermodynamic stability) indicates that this missense variant is not expected to disrupt MBD5 protein function with a negative predictive value of 80%. In summary, the available evidence is currently insufficient to determine the role of this variant in disease. Therefore, it has been classified as a Variant of Uncertain Significance.

GeneDx
Classification: Likely benign. Last evaluated: 2019-10-22. Review status: criteria provided, single submitter. Criteria: GeneDx Variant Classification Process June 2021. Collection method: clinical testing. Allele origin: germline. Affected: yes.